The following is an entry in ClinVar:

NM_001369.3(DNAH5):c.11861A>G (p.Gln3954Arg)

Gene: DNAH5 (dynein axonemal heavy chain 5; minus strand). Cytogenetic location: 5p15.2.
Variant type: single nucleotide variant.
Coding change: c.11861A>G on transcript NM_001369.3 (MANE Select); coding-DNA position 11861, A replaced by G.
Protein change: p.Gln3954Arg; replaces glutamine 3954 with arginine.
Molecular consequence: missense variant.
Genome position (GRCh38, 1-based): chr5:13,729,461, T>C on the plus strand (A>G on the coding strand, the complement: DNAH5 is on the minus strand). VCF-style: chr5-13729461-T-C. GRCh37 (hg19) VCF-style: chr5-13729570-T-C.
Other names: short protein forms Q3954R.
Identifiers: ClinVar variation 3705912 (VCV003705912.2).

ClinVar aggregate classification (germline): Uncertain significance (1 of 4 stars; one submission).

Conditions:
Primary ciliary dyskinesia. Also called: Ciliary dyskinesia. Identifiers: Orphanet 244, MedGen C0008780, MONDO:0016575, HP:0012265.

Submission:

Labcorp Genetics (formerly Invitae), Labcorp
Classification: Uncertain significance for Primary ciliary dyskinesia. Last evaluated: 2024-08-13. Review status: criteria provided, single submitter. Criteria: Invitae Variant Classification Sherloc (09022015). Collection method: clinical testing. Allele origin: germline.
Comment: This sequence change replaces glutamine, which is neutral and polar, with arginine, which is basic and polar, at codon 3954 of the DNAH5 protein (p.Gln3954Arg). This variant is not present in population databases (gnomAD no frequency). This variant has not been reported in the literature in individuals affected with DNAH5-related conditions. Invitae Evidence Modeling of protein sequence and biophysical properties (such as structural, functional, and spatial information, amino acid conservation, physicochemical variation, residue mobility, and thermodynamic stability) indicates that this missense variant is not expected to disrupt DNAH5 protein function with a negative predictive value of 95%. In summary, the available evidence is currently insufficient to determine the role of this variant in disease. Therefore, it has been classified as a Variant of Uncertain Significance.